The following is an entry in ClinVar:

NM_000081.4(LYST):c.7217G>A (p.Gly2406Asp)

Gene: LYST (lysosomal trafficking regulator; minus strand). Cytogenetic location: 1q42.3.
Variant type: single nucleotide variant.
Coding change: c.7217G>A on transcript NM_000081.4 (MANE Select); coding-DNA position 7217, G replaced by A.
Protein change: p.Gly2406Asp; replaces glycine 2406 with aspartic acid.
Molecular consequence: missense variant.
Genome position (GRCh38, 1-based): chr1:235,755,490, C>T on the plus strand (G>A on the coding strand, the complement: LYST is on the minus strand). VCF-style: chr1-235755490-C-T. GRCh37 (hg19) VCF-style: chr1-235918790-C-T.
Other names: c.7217G>A, p.Gly2406Asp (NM_001301365.1); short protein forms G2406D.
Identifiers: ClinVar variation 1353051 (VCV001353051.5), dbSNP rs748856241, ClinGen allele CA1466203.
Genomic context (GRCh38, chr1:235,755,490, plus strand): 5'-AAAAAGACAAAAGATTCCCAATTATAGTGGAGGGAAGAACACACTTACTCTTCATCAAGG[C>T]CAATATGTCGACCAAAGAACATTTCGATGAAGCATTCTAACAATTCTTGAGTTCCTCGAT-3'
Protein context (NP_000072.2, residues 2396-2416): FIEMFFGRHI[Gly2406Asp]LDEEFDLEDV

ClinVar aggregate classification (germline): Uncertain significance (1 of 4 stars; one submission).

Conditions:
Chédiak-Higashi syndrome (CHS). Also called: Chediak-Higashi Syndrome. Identifiers: Orphanet 167, MedGen C0007965, MONDO:0008963, OMIM 214500.

Allele frequency attached by ClinVar (database versions not stated): gnomAD exomes below 0.00001; ExAC 0.00001.
gnomAD v4.1: 1 of 1,613,276 alleles (0.000062%); highest among the groups gnomAD compares: South Asian, 0.0011%; no homozygotes.

Submission:

Labcorp Genetics (formerly Invitae), Labcorp
Classification: Uncertain significance for Chédiak-Higashi syndrome. Last evaluated: 2021-11-23. Review status: criteria provided, single submitter. Criteria: Invitae Variant Classification Sherloc (09022015). Collection method: clinical testing. Allele origin: germline.
Comment: In summary, the available evidence is currently insufficient to determine the role of this variant in disease. Therefore, it has been classified as a Variant of Uncertain Significance. Algorithms developed to predict the effect of missense changes on protein structure and function are either unavailable or do not agree on the potential impact of this missense change (SIFT: "Tolerated"; PolyPhen-2: "Possibly Damaging"; Align-GVGD: "Class C0"). This variant has not been reported in the literature in individuals affected with LYST-related conditions. This variant is present in population databases (rs748856241, gnomAD 0.003%). This sequence change replaces glycine, which is neutral and non-polar, with aspartic acid, which is acidic and polar, at codon 2406 of the LYST protein (p.Gly2406Asp).